The following is an entry in ClinVar:

NM_138694.4(PKHD1):c.10529T>G (p.Leu3510Ter)

Gene: PKHD1 (PKHD1 ciliary IPT domain containing fibrocystin/polyductin; minus strand). Cytogenetic location: 6p12.3.
Variant type: single nucleotide variant.
Coding change: c.10529T>G on transcript NM_138694.4 (MANE Select); coding-DNA position 10529, T replaced by G.
Protein change: p.Leu3510Ter; replaces leucine 3510 with a stop codon.
Molecular consequence: nonsense.
Genome position (GRCh38, 1-based): chr6:51,659,597, A>C on the plus strand (T>G on the coding strand, the complement: PKHD1 is on the minus strand). VCF-style: chr6-51659597-A-C. GRCh37 (hg19) VCF-style: chr6-51524395-A-C.
Other names: short protein forms L3510*.
Identifiers: ClinVar variation 2032819 (VCV002032819.4), dbSNP rs2533446785, ClinGen allele CA364434331.

ClinVar aggregate classification (germline): Pathogenic (1 of 4 stars; one submission).

Conditions:
Autosomal recessive polycystic kidney disease (ARPKD). Also called: AR polycystic kidney disease. Identifiers: Orphanet 731, Orphanet 8378, MedGen C0085548, MeSH D017044, MONDO:0009889.

Allele frequency attached by ClinVar (database versions not stated): gnomAD exomes below 0.00001.
gnomAD v4.1: 2 of 1,613,732 alleles (0.00012%); highest among the groups gnomAD compares: Non-Finnish European, 0.00017%; no homozygotes.

Submission:

Labcorp Genetics (formerly Invitae), Labcorp
Classification: Pathogenic for Autosomal recessive polycystic kidney disease. Last evaluated: 2022-09-27. Review status: criteria provided, single submitter. Criteria: Invitae Variant Classification Sherloc (09022015). Collection method: clinical testing. Allele origin: germline.
Comment: For these reasons, this variant has been classified as Pathogenic. This variant has not been reported in the literature in individuals affected with PKHD1-related conditions. This variant is not present in population databases (gnomAD no frequency). This sequence change creates a premature translational stop signal (p.Leu3510*) in the PKHD1 gene. It is expected to result in an absent or disrupted protein product. Loss-of-function variants in PKHD1 are known to be pathogenic (PMID: 19940839).

Literature cited by the submitters: PubMed 19940839.